The following is an entry in ClinVar:

NM_001042702.5(PJVK):c.876G>A (p.Gly292=)

Gene: PJVK (pejvakin; plus strand). Cytogenetic location: 2q31.2.
Variant type: single nucleotide variant.
Coding change: c.876G>A on transcript NM_001042702.5 (MANE Select); coding-DNA position 876, G replaced by A.
Protein change: p.Gly292=; no amino-acid change (glycine 292 retained).
Molecular consequence: synonymous variant.
Genome position (GRCh38, 1-based): chr2:178,461,091, G>A. VCF-style: chr2-178461091-G-A. GRCh37 (hg19) VCF-style: chr2-179325818-G-A.
Other names: c.885G>A, p.Gly295= (NM_001353775.2); c.882G>A, p.Gly294= (NM_001353776.2); c.399G>A, p.Gly133= (NM_001353777.1, NM_001353778.2); c.876G>A, p.Gly292= (NM_001369912.1).
Identifiers: ClinVar variation 4823100 (VCV004823100.4).

ClinVar aggregate classification (germline): Likely benign (1 of 4 stars; one submission).

gnomAD v4.1: 1 of 1,613,940 alleles (0.000062%); highest among the groups gnomAD compares: Admixed American, 0.0017%; no homozygotes.

Submission:

CeGaT Center for Human Genetics Tuebingen
Classification: Likely benign. Last evaluated: 2026-01-01. Review status: criteria provided, single submitter. Criteria: CeGaT Center For Human Genetics Tuebingen Variant Classification Criteria Version 2. Collection method: clinical testing. Allele origin: germline. Affected: yes. Observed: 1 variant allele.
Comment: PJVK: BP4, BP7